The following is an entry in ClinVar:

NM_020919.4(ALS2):c.2675C>T (p.Thr892Ile)

Gene: ALS2 (alsin Rho guanine nucleotide exchange factor ALS2; minus strand). Cytogenetic location: 2q33.1.
Variant type: single nucleotide variant.
Coding change: c.2675C>T on transcript NM_020919.4 (MANE Select); coding-DNA position 2675, C replaced by T.
Protein change: p.Thr892Ile; replaces threonine 892 with isoleucine.
Molecular consequence: missense variant.
Genome position (GRCh38, 1-based): chr2:201,729,089, G>A on the plus strand (C>T on the coding strand, the complement: ALS2 is on the minus strand). VCF-style: chr2-201729089-G-A. GRCh37 (hg19) VCF-style: chr2-202593812-G-A.
Other names: short protein forms T892I.
Identifiers: ClinVar variation 426280 (VCV000426280.2), dbSNP rs1085307536, ClinGen allele CA350323091.
Genomic context (GRCh38, chr2:201,729,089, plus strand): 5'-AAATGACAACTGGCATGGCTTACCGTCATTTTTCCGGGGAAGGTCTTCCAGAAGCCCAGT[G>A]TGTATTCTGCTTCCTTCCTTTTCCTGCCGAGATGGAGAGCAAGACACTCATAACAAGAAC-3'
Protein context (NP_065970.2, residues 882-902): LGRKRKEAEY[Thr892Ile]LGFWKTFPGK

ClinVar aggregate classification (germline): Uncertain significance (1 of 4 stars; one submission).

Submission:

GeneDx
Classification: Uncertain significance. Last evaluated: 2017-04-21. Review status: criteria provided, single submitter. Criteria: GeneDx Variant Classification (06012015). Collection method: clinical testing. Allele origin: germline. Affected: yes.
Comment: The T892I variant in the ALS2 gene has not been reported previously as a pathogenic variant, nor as a benign variant, to our knowledge. The T892I variant is not observed in large population cohorts (Lek et al., 2016; 1000 Genomes Consortium et al., 2015; Exome Variant Server). The T892I variant is a non-conservative amino acid substitution, which occurs at a position that is conserved across species. In silico analysis predicts this variant is probably damaging to the protein structure/function. We interpret T892I as a variant of uncertain significance.